The following is an entry in ClinVar:

ClinVar aggregate classification (germline): Pathogenic/Likely pathogenic. Review status: criteria provided, multiple submitters, no conflicts (2 of 4 stars). 2 submissions from 2 submitters: Pathogenic (1); Likely pathogenic (1). Last evaluated 2025-12-01.

Conditions:
GTP cyclohydrolase I deficiency. Identifiers: MedGen C0268467, MONDO:0100184.
Dystonia 5 (DRD). Also called: Dystonia, DOPA-responsive, with or without hyperphenylalaninemia; GTP Cyclohydrolase 1-Deficient Dopa-Responsive Dystonia; DYSTONIA, PROGRESSIVE, WITH DIURNAL VARIATION; DYSTONIA-PARKINSONISM WITH DIURNAL FLUCTUATION; DYT-GCH1. Identifiers: Orphanet 98808, MedGen C1851920, MONDO:0007495, OMIM 128230.
Gait disturbance. Also called: Gait abnormality; Abnormal gait. Identifiers: MedGen C0575081, HP:0001288.
Sleep disturbance. Also called: sleep difficulties. Identifiers: MedGen C0037317, HP:0002360.
Muscle weakness. Identifiers: MedGen C0151786, HP:0001324.
Rigidity. Identifiers: MedGen C0026837, HP:0002063.
Gait ataxia. Identifiers: MedGen C0751837, HP:0002066.
Gait imbalance. Identifiers: MedGen C1836150, HP:0002141.

Submissions (2):

Labcorp Genetics (formerly Invitae), Labcorp
Classification: Pathogenic for GTP cyclohydrolase I deficiency; Dystonia 5. Last evaluated: 2025-12-01. Review status: criteria provided, single submitter. Criteria: Invitae Variant Classification Sherloc (09022015). Collection method: clinical testing. Allele origin: germline.
Comment: This sequence change creates a premature translational stop signal (p.Gln219*) in the GCH1 gene. While this is not anticipated to result in nonsense mediated decay, it is expected to disrupt the last 32 amino acid(s) of the GCH1 protein. This variant is not present in population databases (gnomAD no frequency). This premature translational stop signal has been observed in individual(s) with clinical features of GCH1-related features (PMID: 34106991). ClinVar contains an entry for this variant (Variation ID: 523338). Algorithms developed to predict the effect of sequence changes on RNA splicing suggest that this variant may disrupt the consensus splice site. This variant disrupts a region of the GCH1 protein in which other variant(s) (p.Glu243Phefs*5) have been determined to be pathogenic (PMID: 15390021). This suggests that this is a clinically significant region of the protein, and that variants that disrupt it are likely to be disease-causing. For these reasons, this variant has been classified as Pathogenic.

Centre for Mendelian Genomics, University Medical Centre Ljubljana
Classification: Likely pathogenic for Gait ataxia; Gait disturbance; Gait imbalance; Muscle weakness; Rigidity; Sleep disturbance. Last evaluated: 2017-01-01. Review status: criteria provided, single submitter. Criteria: ACMG Guidelines, 2015. Collection method: clinical testing. Allele origin: unknown. Affected: yes.

Literature cited by the submitters: PubMed 34106991 (cited by Labcorp Genetics (formerly Invitae), Labcorp); PubMed 15390021 (cited by Labcorp Genetics (formerly Invitae), Labcorp).

NM_000161.3(GCH1):c.655C>T (p.Gln219Ter)

Gene: GCH1 (GTP cyclohydrolase 1; minus strand). Cytogenetic location: 14q22.2.
Variant type: single nucleotide variant.
Coding change: c.655C>T on transcript NM_000161.3 (MANE Select); coding-DNA position 655, C replaced by T.
Protein change: p.Gln219Ter; replaces glutamine 219 with a stop codon.
Molecular consequence: nonsense. On other transcripts: intron variant (2).
Genome position (GRCh38, 1-based): chr14:54,844,115, G>A on the plus strand (C>T on the coding strand, the complement: GCH1 is on the minus strand). VCF-style: chr14-54844115-G-A. GRCh37 (hg19) VCF-style: chr14-55310833-G-A.
Other names: c.655C>T, p.Gln219Ter (NM_001024024.2); c.627-1061C>T (NM_001024071.2); c.627-246C>T (NM_001024070.2); short protein forms Q219*.
Identifiers: ClinVar variation 523338 (VCV000523338.3), dbSNP rs1555358382, ClinGen allele CA389787183.